The following is an entry in ClinVar:

NM_032242.4(PLXNA1):c.4870+1G>A

Gene: PLXNA1 (plexin A1; plus strand). Cytogenetic location: 3q21.3.
Variant type: single nucleotide variant.
Coding change: c.4870+1G>A on transcript NM_032242.4 (MANE Select); the canonical splice donor site of the intron after coding-DNA position 4870, G replaced by A.
Molecular consequence: splice donor variant.
Genome position (GRCh38, 1-based): chr3:127,029,537, G>A. VCF-style: chr3-127029537-G-A. GRCh37 (hg19) VCF-style: chr3-126748380-G-A.
Identifiers: ClinVar variation 4056814 (VCV004056814.1).

ClinVar aggregate classification (germline): Pathogenic (1 of 4 stars; one submission).

Conditions:
Dworschak-Punetha neurodevelopmental syndrome (DWOPNED). Identifiers: MedGen C5677017, MONDO:0859260, OMIM 619955.

Submission:

Department of Medical Genetics, Sanjay Gandhi Post Graduate Institute of Medical Sciences
Classification: Pathogenic for Dworschak-Punetha neurodevelopmental syndrome. Review status: criteria provided, single submitter. Criteria: ACMG Guidelines, 2015. Collection method: research. Allele origin: germline. Inheritance: Autosomal recessive inheritance. Affected: yes. Observed: 1 homozygote.
Comment: The variant is absent in gnomADv4,1000Genomes database, and Indian data of 800 exomes. The variant is predicted as deleterious by computational mutation prediction databases like DANN, MutationTaster, FATHMM, and SpliceAI (score:0.9). This variant is classified as variant of Pathogenic according to ACMG-AMP criteria (PVS1, PM2, PP3). The phenotype observed in the proband is consistent with PLXNA1 related Dworschak- punnet-neurodevelopmental syndrome.